The following is an entry in ClinVar:

ClinVar aggregate classification (germline): Uncertain significance (1 of 4 stars; one submission).

Conditions:
Familial thoracic aortic aneurysm and aortic dissection (TAAD). Also called: Thoracic aortic aneurysms and dissections. Identifiers: Orphanet 91387, MedGen C4707243, MONDO:0019625.

gnomAD v4.1: 6 of 1,610,770 alleles (0.00037%); highest among the groups gnomAD compares: African/African-American, 0.0067%; no homozygotes.

Submission:

Ambry Genetics
Classification: Uncertain significance for Familial thoracic aortic aneurysm and aortic dissection. Last evaluated: 2024-04-30. Review status: criteria provided, single submitter. Criteria: Ambry Variant Classification Scheme 2023. Collection method: clinical testing. Allele origin: germline.
Comment: The c.1719+3A>G intronic variant results from an A to G substitution 3 nucleotides after coding exon 14 in the COL5A1 gene. This nucleotide position is poorly conserved in available vertebrate species. In silico splice site analysis predicts that this alteration will not have any significant effect on splicing. Based on the available evidence, the clinical significance of this variant remains unclear.

NM_000093.5(COL5A1):c.1719+3A>G

Gene: COL5A1 (collagen type V alpha 1 chain; plus strand). Cytogenetic location: 9q34.3.
Variant type: single nucleotide variant.
Coding change: c.1719+3A>G on transcript NM_000093.5 (MANE Select); 3 bases into the intron after coding-DNA position 1719, A replaced by G.
Molecular consequence: intron variant.
Genome position (GRCh38, 1-based): chr9:134,752,648, A>G. VCF-style: chr9-134752648-A-G. GRCh37 (hg19) VCF-style: chr9-137644494-A-G.
Other names: c.1719+3A>G (NM_001278074.1).
Identifiers: ClinVar variation 3268747 (VCV003268747.1).
Genomic context (GRCh38, chr9:134,752,648, plus strand): 5'-GTTGGCACTGAGGGGACCAGCTGGCCCGATGGGTCTCACAGGGAGACCTGGCCCTGTGGT[A>G]AGTCATTGGCAAATCTGAGAGCTGGGCGTGGTGTGGGGATTGGCCCACTCCCTGTGTCGT-3'